The following is an entry in ClinVar:

NM_000551.4(VHL):c.531_542delinsTC (p.Arg177fs)

Genes: VHL (von Hippel-Lindau tumor suppressor; plus strand), LOC107303340 (3p25 von Hippel-Lindau tumor suppressor, E3 ubiquitin protein ligase Alu-mediated recombination region; plus strand). Cytogenetic location: 3p25.3.
Variant type: Indel.
Coding change: c.531_542delinsTC on transcript NM_000551.4 (MANE Select); coding-DNA positions 531 to 542, ACTGGACATCGT replaced by TC.
Protein change: p.Arg177fs; shifts the reading frame from arginine 177.
Molecular consequence: frameshift variant. On other transcripts: 3 prime UTR variant (1).
Genome position (GRCh38, 1-based): chr3:10,149,854-10,149,865, ACTGGACATCGT replaced by TC. VCF-style: chr3-10149854-ACTGGACATCGT-TC. GRCh37 (hg19) VCF-style: chr3-10191538-ACTGGACATCGT-TC.
Other names: c.531_542delACTGGACATCGTinsTC (NM_000551.3); c.*85_*96delinsTC (NM_001354723.2); c.408_419delinsTC, p.Arg136fs (NM_198156.3); short protein forms R136fs, R177fs.
Identifiers: ClinVar variation 545823 (VCV000545823.2), dbSNP rs1553620331, ClinGen allele CA658822549.

ClinVar aggregate classification (germline): Pathogenic/Likely pathogenic. Review status: criteria provided, multiple submitters, no conflicts (2 of 4 stars). 2 submissions from 2 submitters: Pathogenic (1); Likely pathogenic (1). Last evaluated 2017-09-14.

Conditions:
Von Hippel-Lindau syndrome (VHLS). Also called: VHL syndrome; Von Hippel-Lindau; von Hippel–Lindau syndrome. Identifiers: Orphanet 892, MedGen C0019562, MONDO:0008667, OMIM 193300. Disease mechanism: loss of function.

Submissions (2):

GeneDx
Classification: Likely pathogenic. Last evaluated: 2017-09-14. Review status: criteria provided, single submitter. Criteria: GeneDx Variant Classification (06012015). Collection method: clinical testing. Allele origin: germline. Affected: yes.
Comment: This combined deletion and insertion is denoted VHL c.531_542del12insTC at the cDNA level and p.Arg177SerfsX22 (R177SfsX22) at the protein level. The surrounding sequence is GGAG[del12][insTC]CAGG. The variant causes a frameshift which changes an Arginine to a Serine at codon 177, and creates a premature stop codon at position 22 of the new reading frame. Although this variant has not, to our knowledge, been reported in the literature, it is predicted to cause loss of normal protein function through protein truncation. The disrupted region at the end of the gene is located within the alpha domain, involved in Elongin C binding, and the beta domain, which interacts with the ODD domain of HIF-alpha subunits (Yuen 2009). Based on the currently available information, we consider VHL c.531_542del12insTC to be a likely pathogenic variant.

Center for Human Genetics, Inc
Classification: Pathogenic for Von Hippel-Lindau syndrome. Last evaluated: 2016-11-01. Review status: criteria provided, single submitter. Criteria: ACMG Guidelines, 2015. Collection method: clinical testing. Allele origin: germline. Affected: yes.